The following is an entry in ClinVar:

ClinVar aggregate classification (germline): Uncertain significance. Review status: criteria provided, multiple submitters, no conflicts (2 of 4 stars). 4 submissions from 4 submitters: Uncertain significance (4). Last evaluated 2026-06-01.

Conditions:
ABCB4-related disorder. Also called: ABCB4-related disorders; ABCB4-related condition.
Low phospholipid associated cholelithiasis (GBD1). Also called: Gallbladder disease 1; Gallstone cholecystitis. Identifiers: Orphanet 69663, MedGen C2609268, MONDO:0010939, OMIM 600803.

gnomAD v4.1: 30 of 1,614,060 alleles (0.0019%); highest among the groups gnomAD compares: African/African-American, 0.008%; no homozygotes.

Submissions (4):

PreventionGenetics, part of Exact Sciences
Classification: Uncertain significance for ABCB4-related condition. Last evaluated: 2026-06-01. Review status: criteria provided, single submitter. Criteria: ACMG Guidelines, 2015. Collection method: clinical testing. Allele origin: germline.
Comment: The ABCB4 c.763G>A variant is predicted to result in the amino acid substitution p.Val255Met. This variant has been reported in an individual with low phospholipid-associated cholelithiasis (LPAC) (Huynh et al. 2019. PubMed ID: 31538484). This variant is reported in 0.0097% of alleles in individuals of Ashkenazi Jewish descent in gnomAD. At this time, the clinical significance of this variant is uncertain due to the absence of conclusive functional and genetic evidence.

Genomenon, Inc
Classification: Uncertain significance for Low phospholipid associated cholelithiasis. Last evaluated: 2026-04-14. Review status: criteria provided, single submitter. Criteria: Genomenon Sequence Variant Interpretation Standards - Updated. Collection method: curation. Allele origin: germline. Affected: yes.
Comment: ABCB4 p.Val255Met (c.763G>A) is a missense variant that changes the amino acid at residue 255 from Valine to Methionine. This variant has been observed in at least one proband with an ABCB4-related disorder (PMID:31538484). It is absent or not present at a significant frequency in gnomAD. In silico models predict that this variant is possibly or probably damaging. In conclusion, we classify ABCB4 p.Val255Met (c.763G>A) as a variant of uncertain significance.

Labcorp Genetics (formerly Invitae), Labcorp
Classification: Uncertain significance. Last evaluated: 2026-01-25. Review status: criteria provided, single submitter. Criteria: Invitae Variant Classification Sherloc (09022015). Collection method: clinical testing. Allele origin: germline.
Comment: This sequence change replaces valine, which is neutral and non-polar, with methionine, which is neutral and non-polar, at codon 255 of the ABCB4 protein (p.Val255Met). This variant is present in population databases (rs779602128, gnomAD 0.01%). This missense change has been observed in individual(s) with cholelithiasis (PMID: 31538484). ClinVar contains an entry for this variant (Variation ID: 3339209). Invitae Evidence Modeling of protein sequence and biophysical properties (such as structural, functional, and spatial information, amino acid conservation, physicochemical variation, residue mobility, and thermodynamic stability) has been performed for this missense variant. However, the output from this modeling did not meet the statistical confidence thresholds required to predict the impact of this variant on ABCB4 protein function. In summary, the available evidence is currently insufficient to determine the role of this variant in disease. Therefore, it has been classified as a Variant of Uncertain Significance.

Women's Health and Genetics/Laboratory Corporation of America, LabCorp
Classification: Uncertain significance. Last evaluated: 2024-07-30. Review status: criteria provided, single submitter. Criteria: LabCorp Variant Classification Summary - May 2015. Collection method: clinical testing. Allele origin: germline.
Comment: Variant summary: ABCB4 c.763G>A (p.Val255Met) results in a conservative amino acid change located in the ABC transporter type 1, transmembrane domain (IPR011527) of the encoded protein sequence. Four of five in-silico tools predict a damaging effect of the variant on protein function. The variant allele was found at a frequency of 2.8e-05 in 251172 control chromosomes. The available data on variant occurrences in the general population are insufficient to allow any conclusion about variant significance. The LPAC syndrome (MIM #600803) can be transmitted through an autosomal dominant or recessive pattern. c.763G>A has been reported in the literature as a monoallelic genotype in at-least one individual affected with low phospholipid-associated cholelithiasis (LPAC) (example, Huynh_2019 cited in Avena_2021). These report(s) do not provide unequivocal conclusions about association of the variant with Familial Intrahepatic Cholestasis. To our knowledge, no experimental evidence demonstrating an impact on protein function has been reported. The following publications have been ascertained in the context of this evaluation (PMID: 33390354, 31538484). No submitters have cited clinical-significance assessments for this variant to ClinVar. Based on the evidence outlined above, the variant was classified as uncertain significance.

Literature cited by the submitters: PubMed 31538484 (cited by 3 submitters); PubMed 33390354 (cited by Women's Health and Genetics/Laboratory Corporation of America, LabCorp).

NM_000443.4(ABCB4):c.763G>A (p.Val255Met)

Gene: ABCB4 (ATP binding cassette subfamily B member 4; minus strand). Cytogenetic location: 7q21.12.
Variant type: single nucleotide variant.
Coding change: c.763G>A on transcript NM_000443.4 (MANE Select); coding-DNA position 763, G replaced by A.
Protein change: p.Val255Met; replaces valine 255 with methionine.
Molecular consequence: missense variant.
Genome position (GRCh38, 1-based): chr7:87,450,038, C>T on the plus strand (G>A on the coding strand, the complement: ABCB4 is on the minus strand). VCF-style: chr7-87450038-C-T. GRCh37 (hg19) VCF-style: chr7-87079354-C-T.
Other names: c.763G>A, p.Val255Met (NM_018849.3, NM_018850.3); c.763G>A (NM_000443.3); short protein forms V255M.
Identifiers: ClinVar variation 3339209 (VCV003339209.5).
Genomic context (GRCh38, chr7:87,450,038, plus strand): 5'-CTTTGTTCTGGCCCCCGAAAGCTATCACAGTCCTGATGGCCCCCAGAGCCTCTTCTGCCA[C>T]GGCGCCTGCTTTTGCATAAGCAGCTAGTTCTTTGTCACTAAATGCCGAGAGTATCTGGAC-3'
Protein context (NP_000434.1, residues 245-265): ELAAYAKAGA[Val255Met]AEEALGAIRT